The following is an entry in ClinVar:

ClinVar aggregate classification (germline): Likely benign. Review status: criteria provided, multiple submitters, no conflicts (2 of 4 stars). 3 submissions from 3 submitters: Likely benign (3). Last evaluated 2024-10-13.

Conditions:
LIPE-related disorder. Also called: LIPE-related condition.

Allele frequency attached by ClinVar (database versions not stated): 1000 Genomes Project 30x 0.00031; gnomAD 0.00063 and 0.00066; gnomAD exomes 0.00081; TOPMed 0.00089; ExAC 0.00211.
gnomAD v4.1: 1,002 of 1,532,144 alleles (0.065%); highest among the groups gnomAD compares: Middle Eastern, 0.66%; 2 homozygotes.

Submissions (3):

PreventionGenetics, part of Exact Sciences
Classification: Likely benign for LIPE-related condition. Last evaluated: 2024-10-13. Review status: criteria provided, single submitter. Criteria: ACMG Guidelines, 2015. Collection method: clinical testing. Allele origin: germline.
Comment: This variant is classified as likely benign based on ACMG/AMP sequence variant interpretation guidelines (Richards et al. 2015 PMID: 25741868, with internal and published modifications).

Labcorp Genetics (formerly Invitae), Labcorp
Classification: Likely benign. Last evaluated: 2019-12-31. Review status: criteria provided, single submitter. Criteria: Invitae Variant Classification Sherloc (09022015). Collection method: clinical testing. Allele origin: germline.

Breakthrough Genomics
Classification: Likely benign. Review status: criteria provided, single submitter. Criteria: ACMG Guidelines, 2015. Collection method: not provided. Allele origin: germline. Inheritance: Autosomal recessive inheritance. Affected: yes.

NM_005357.4(LIPE):c.3172G>C (p.Gly1058Arg)

Genes: LIPE (lipase E, hormone sensitive type; minus strand), LIPE-AS1 (LIPE antisense RNA 1; plus strand), LOC101930071 (uncharacterized LOC101930071; plus strand). Cytogenetic location: 19q13.2.
Variant type: single nucleotide variant.
Coding change: c.3172G>C on transcript NM_005357.4 (MANE Select); coding-DNA position 3172, G replaced by C.
Protein change: p.Gly1058Arg; replaces glycine 1058 with arginine.
Molecular consequence: missense variant.
Genome position (GRCh38, 1-based): chr19:42,401,871, C>G on the plus strand (G>C on the coding strand, the complement: LIPE is on the minus strand). VCF-style: chr19-42401871-C-G. GRCh37 (hg19) VCF-style: chr19-42906023-C-G.
Other names: short protein forms G1058R.
Identifiers: ClinVar variation 708992 (VCV000708992.6), dbSNP rs771970424, ClinGen allele CA9476560.